The following is an entry in ClinVar:

ClinVar aggregate classification (germline): Uncertain significance (1 of 4 stars; one submission).

Submission:

GeneDx
Classification: Uncertain significance. Last evaluated: 2025-02-20. Review status: criteria provided, single submitter. Criteria: GeneDx Variant Classification Process June 2021. Collection method: clinical testing. Allele origin: germline. Affected: yes.
Comment: Not observed at significant frequency in large population cohorts (gnomAD); In silico analysis supports that this missense variant has a deleterious effect on protein structure/function; Has not been previously published as pathogenic or benign to our knowledge

NM_013444.4(UBQLN2):c.617T>G (p.Met206Arg)

Genes: UBQLN2 (ubiquilin 2; plus strand), LOC130068339 (ATAC-STARR-seq lymphoblastoid active region 29687; plus strand). Cytogenetic location: Xp11.21.
Variant type: single nucleotide variant.
Coding change: c.617T>G on transcript NM_013444.4 (MANE Select); coding-DNA position 617, T replaced by G.
Protein change: p.Met206Arg; replaces methionine 206 with arginine.
Molecular consequence: missense variant.
Genome position (GRCh38, 1-based): chrX:56,564,490, T>G. VCF-style: chrX-56564490-T-G. GRCh37 (hg19) VCF-style: chrX-56590923-T-G.
Other names: short protein forms M206R.
Identifiers: ClinVar variation 4076695 (VCV004076695.1).
Genomic context (GRCh38, chrX:56,564,490, plus strand): 5'-TGGAAAATCCCTTTGTTCAGAGCATGCTTTCGAATCCCGATCTGATGAGGCAGCTCATTA[T>G]GGCTAATCCACAGATGCAGCAATTGATTCAGAGAAACCCAGAAATCAGTCACCTGCTCAA-3'
Protein context (NP_038472.2, residues 196-216): SNPDLMRQLI[Met206Arg]ANPQMQQLIQ